The following is an entry in ClinVar:

ClinVar aggregate classification (germline): Pathogenic (1 of 4 stars; one submission).

Submission:

Labcorp Genetics (formerly Invitae), Labcorp
Classification: Pathogenic. Last evaluated: 2022-06-28. Review status: criteria provided, single submitter. Criteria: Invitae Variant Classification Sherloc (09022015). Collection method: clinical testing. Allele origin: germline.
Comment: This sequence change creates a premature translational stop signal (p.Gly109Leufs*13) in the FOXRED1 gene. It is expected to result in an absent or disrupted protein product. Loss-of-function variants in FOXRED1 are known to be pathogenic (PMID: 20818383, 20858599). This variant is not present in population databases (gnomAD no frequency). This variant has not been reported in the literature in individuals affected with FOXRED1-related conditions. For these reasons, this variant has been classified as Pathogenic.

Literature cited by the submitters: PubMed 20818383; PubMed 20858599.

NM_017547.4(FOXRED1):c.325_329del (p.Gly109fs)

Gene: FOXRED1 (FAD dependent oxidoreductase domain containing 1; plus strand). Cytogenetic location: 11q24.2.
Variant type: Deletion.
Coding change: c.325_329del on transcript NM_017547.4 (MANE Select); coding-DNA positions 325 to 329, 5 bases deleted (GGGCT; older notation c.325_329delGGGCT).
Protein change: p.Gly109fs; shifts the reading frame from glycine 109.
Molecular consequence: frameshift variant. On other transcripts: non-coding transcript variant (2).
Genome position (GRCh38, 1-based): chr11:126,272,987-126,272,991, GGGCT deleted; deleting any 5 consecutive bases within chr11:126,272,985-126,272,991 gives the same sequence; the c. name uses the placement nearest the transcript's 3' end. VCF-style (leftmost placement, unchanged base first): chr11-126272984-ACTGGG-A. GRCh37 (hg19) VCF-style: chr11-126142879-ACTGGG-A.
Other names: short protein forms G109fs.
Identifiers: ClinVar variation 2160051 (VCV002160051.1), dbSNP rs2497175982, ClinGen allele CA2580083833.
Genomic context (GRCh38, chr11:126,272,984, plus strand): 5'-GTGATAGGGTACTGGTCTACCTCAACTTTTCTTGTCTTTCCACAGTATTCACAGGCCTCC[ACTGGG>A]CTCTCAGTAGGTGGGATTTGTCAGCAGTTCTCATTGCCTGAGAACATCCAGCTCTCCCTC-3'